The following is an entry in ClinVar:

ClinVar aggregate classification (germline): Uncertain significance. Review status: criteria provided, multiple submitters, no conflicts (2 of 4 stars). 2 submissions from 2 submitters: Uncertain significance (2). Last evaluated 2025-10-15.

Conditions:
Gorlin syndrome. Also called: Basal cell nevus syndrome; Nevoid Basal Cell Carcinoma Syndrome. Identifiers: Orphanet 377, MedGen C0004779, MONDO:0007187.
Hereditary cancer-predisposing syndrome. Also called: Hereditary neoplastic syndrome; Hereditary Cancer Syndrome; Neoplastic Syndromes, Hereditary; Tumor predisposition. Identifiers: Orphanet 140162, MedGen C0027672, MeSH D009386, MONDO:0015356.

Submissions (2):

Ambry Genetics
Classification: Uncertain significance for Hereditary cancer-predisposing syndrome. Last evaluated: 2025-10-15. Review status: criteria provided, single submitter. Criteria: Ambry Variant Classification Scheme 2023. Collection method: clinical testing. Allele origin: germline.
Comment: The p.P1385A variant (also known as c.4153C>G), located in coding exon 23 of the PTCH1 gene, results from a C to G substitution at nucleotide position 4153. The proline at codon 1385 is replaced by alanine, an amino acid with highly similar properties. This amino acid position is conserved. In addition, this alteration is predicted to be tolerated by in silico analysis. Based on the available evidence, the clinical significance of this variant remains unclear.

Labcorp Genetics (formerly Invitae), Labcorp
Classification: Uncertain significance for Gorlin syndrome. Last evaluated: 2025-05-14. Review status: criteria provided, single submitter. Criteria: Invitae Variant Classification Sherloc (09022015). Collection method: clinical testing. Allele origin: germline.
Comment: This sequence change replaces proline, which is neutral and non-polar, with alanine, which is neutral and non-polar, at codon 1385 of the PTCH1 protein (p.Pro1385Ala). This variant is not present in population databases (gnomAD no frequency). This variant has not been reported in the literature in individuals affected with PTCH1-related conditions. Invitae Evidence Modeling of protein sequence and biophysical properties (such as structural, functional, and spatial information, amino acid conservation, physicochemical variation, residue mobility, and thermodynamic stability) indicates that this missense variant is not expected to disrupt PTCH1 protein function with a negative predictive value of 95%. In summary, the available evidence is currently insufficient to determine the role of this variant in disease. Therefore, it has been classified as a Variant of Uncertain Significance.

NM_000264.5(PTCH1):c.4153C>G (p.Pro1385Ala)

Gene: PTCH1 (patched 1; minus strand). Cytogenetic location: 9q22.32.
Variant type: single nucleotide variant.
Coding change: c.4153C>G on transcript NM_000264.5 (MANE Select); coding-DNA position 4153, C replaced by G.
Protein change: p.Pro1385Ala; replaces proline 1385 with alanine.
Molecular consequence: missense variant. On other transcripts: non-coding transcript variant (1).
Genome position (GRCh38, 1-based): chr9:95,447,103, G>C on the plus strand (C>G on the coding strand, the complement: PTCH1 is on the minus strand). VCF-style: chr9-95447103-G-C. GRCh37 (hg19) VCF-style: chr9-98209385-G-C.
Other names: c.3997C>G, p.Pro1333Ala (NM_001354918.2); c.3955C>G, p.Pro1319Ala (NM_001083602.3); c.4150C>G, p.Pro1384Ala (NM_001083603.3); c.3700C>G, p.Pro1234Ala (NM_001083604.3, NM_001083605.3, NM_001083606.3 and 1 more transcripts); short protein forms P1319A, P1384A, P1234A, P1333A, P1385A.
Identifiers: ClinVar variation 4675631 (VCV004675631.2).